The following is an entry in ClinVar:

ClinVar aggregate classification (germline): Uncertain significance (1 of 4 stars; one submission).

Conditions:
Neurofibromatosis, type 1 (NF1). Also called: Neurofibromatosis, type I; Peripheral type neurofibromatosis; VON RECKLINGHAUSEN DISEASE; NEUROFIBROMATOSIS, TYPE I, SOMATIC. Identifiers: Orphanet 636, MedGen C0027831, MONDO:0018975, OMIM 162200. Disease mechanism: loss of function.

Submission:

Labcorp Genetics (formerly Invitae), Labcorp
Classification: Uncertain significance for Neurofibromatosis, type 1. Last evaluated: 2019-10-28. Review status: criteria provided, single submitter. Criteria: Invitae Variant Classification Sherloc (09022015). Collection method: clinical testing. Allele origin: germline.
Comment: This variant has not been reported in the literature in individuals with NF1-related conditions. This variant is not present in population databases (ExAC no frequency). This sequence change replaces aspartic acid with glutamic acid at codon 2719 of the NF1 protein (p.Asp2719Glu). The aspartic acid residue is moderately conserved and there is a small physicochemical difference between aspartic acid and glutamic acid. In summary, the available evidence is currently insufficient to determine the role of this variant in disease. Therefore, it has been classified as a Variant of Uncertain Significance. Algorithms developed to predict the effect of missense changes on protein structure and function are either unavailable or do not agree on the potential impact of this missense change (SIFT: "Deleterious"; PolyPhen-2: "Probably Damaging"; Align-GVGD: "Class C0").

NM_001042492.3(NF1):c.8220C>G (p.Asp2740Glu)

Gene: NF1 (neurofibromin 1; plus strand). Cytogenetic location: 17q11.2.
Variant type: single nucleotide variant.
Coding change: c.8220C>G on transcript NM_001042492.3 (MANE Select); coding-DNA position 8220, C replaced by G.
Protein change: p.Asp2740Glu; replaces aspartic acid 2740 with glutamic acid.
Molecular consequence: missense variant.
Genome position (GRCh38, 1-based): chr17:31,360,546, C>G. VCF-style: chr17-31360546-C-G. GRCh37 (hg19) VCF-style: chr17-29687564-C-G.
Other names: c.8157C>G, p.Asp2719Glu (NM_000267.4); short protein forms D2719E, D2740E.
Identifiers: ClinVar variation 967402 (VCV000967402.6), dbSNP rs2070374242, ClinGen allele CA399204570.
Genomic context (GRCh38, chr17:31,360,546, plus strand): 5'-GCAAACACAAATTCCAGACTATGCTGAGCTTATTGTTAAGTTTCTTGATGCCTTGATTGA[C>G]ACGTACCTGCCTGGAATTGATGAAGAAACCAGTGAAGAATCCCTCCTGACTCCCACATCT-3'
Protein context (NP_001035957.1, residues 2730-2750): LIVKFLDALI[Asp2740Glu]TYLPGIDEET